The following is an entry in ClinVar:

NM_001972.4(ELANE):c.644T>A (p.Ile215Asn)

Gene: ELANE (elastase, neutrophil expressed; plus strand). Cytogenetic location: 19p13.3.
Variant type: single nucleotide variant.
Coding change: c.644T>A on transcript NM_001972.4 (MANE Select); coding-DNA position 644, T replaced by A.
Protein change: p.Ile215Asn; replaces isoleucine 215 with asparagine.
Molecular consequence: missense variant.
Genome position (GRCh38, 1-based): chr19:856,004, T>A. VCF-style: chr19-856004-T-A. GRCh37 (hg19) VCF-style: chr19-856004-T-A.
Other names: short protein forms I215N.
Identifiers: ClinVar variation 1008375 (VCV001008375.11), dbSNP rs771710628, ClinGen allele CA402919009.

ClinVar aggregate classification (germline): Uncertain significance (1 of 4 stars; one submission).

Conditions:
Neutropenia, severe congenital, 1, autosomal dominant. Identifiers: MedGen C1859966, MONDO:0042490, OMIM 202700.
Cyclical neutropenia. Also called: Cyclic hematopoiesis; Cyclic Neutropenia. Identifiers: Orphanet 2686, MedGen C0221023, MONDO:0008090, OMIM 162800, HP:0040289. Disease mechanism: loss of function.

Submission:

Labcorp Genetics (formerly Invitae), Labcorp
Classification: Uncertain significance for Neutropenia, severe congenital, 1, autosomal dominant; Cyclical neutropenia. Last evaluated: 2024-10-24. Review status: criteria provided, single submitter. Criteria: Invitae Variant Classification Sherloc (09022015). Collection method: clinical testing. Allele origin: germline.
Comment: This sequence change replaces isoleucine, which is neutral and non-polar, with asparagine, which is neutral and polar, at codon 215 of the ELANE protein (p.Ile215Asn). This variant is not present in population databases (gnomAD no frequency). This variant has not been reported in the literature in individuals affected with ELANE-related conditions. ClinVar contains an entry for this variant (Variation ID: 1008375). Invitae Evidence Modeling of protein sequence and biophysical properties (such as structural, functional, and spatial information, amino acid conservation, physicochemical variation, residue mobility, and thermodynamic stability) indicates that this missense variant is expected to disrupt ELANE protein function with a positive predictive value of 95%. In summary, the available evidence is currently insufficient to determine the role of this variant in disease. Therefore, it has been classified as a Variant of Uncertain Significance.